The following is an entry in ClinVar:

NM_004100.5(EYA4):c.940G>A (p.Glu314Lys)

Gene: EYA4 (EYA transcriptional coactivator and phosphatase 4; plus strand). Cytogenetic location: 6q23.2.
Variant type: single nucleotide variant.
Coding change: c.940G>A on transcript NM_004100.5 (MANE Select); coding-DNA position 940, G replaced by A.
Protein change: p.Glu314Lys; replaces glutamic acid 314 with lysine.
Molecular consequence: missense variant.
Genome position (GRCh38, 1-based): chr6:133,468,701, G>A. VCF-style: chr6-133468701-G-A. GRCh37 (hg19) VCF-style: chr6-133789839-G-A.
Other names: c.778G>A, p.Glu260Lys (NM_001301012.2, NM_001370459.1); c.940G>A, p.Glu314Lys (NM_001301013.2, NM_172105.4); c.871G>A, p.Glu291Lys (NM_001370458.1, NM_172103.4); short protein forms E260K, E291K, E314K.
Identifiers: ClinVar variation 3645959 (VCV003645959.2).

ClinVar aggregate classification (germline): Uncertain significance (1 of 4 stars; one submission).

Conditions:
Dilated cardiomyopathy 1J (CMD1J). Also called: CARDIOMYOPATHY, DILATED, WITH SENSORINEURAL HEARING LOSS, AUTOSOMAL DOMINANT. Identifiers: Orphanet 217622, MedGen C1854368, MONDO:0011541, OMIM 605362.

gnomAD v4.1: 1 of 1,612,968 alleles (0.000062%); highest among the groups gnomAD compares: Non-Finnish European, 0.000085%; no homozygotes.

Submission:

Labcorp Genetics (formerly Invitae), Labcorp
Classification: Uncertain significance for Dilated cardiomyopathy 1J. Last evaluated: 2024-03-14. Review status: criteria provided, single submitter. Criteria: Invitae Variant Classification Sherloc (09022015). Collection method: clinical testing. Allele origin: germline.
Comment: This sequence change replaces glutamic acid, which is acidic and polar, with lysine, which is basic and polar, at codon 314 of the EYA4 protein (p.Glu314Lys). The frequency data for this variant in the population databases is considered unreliable, as metrics indicate poor data quality at this position in the gnomAD database. This variant has not been reported in the literature in individuals affected with EYA4-related conditions. Advanced modeling of protein sequence and biophysical properties (such as structural, functional, and spatial information, amino acid conservation, physicochemical variation, residue mobility, and thermodynamic stability) performed at Invitae indicates that this missense variant is not expected to disrupt EYA4 protein function with a negative predictive value of 80%. In summary, the available evidence is currently insufficient to determine the role of this variant in disease. Therefore, it has been classified as a Variant of Uncertain Significance.